The following is an entry in ClinVar:

ClinVar aggregate classification (germline): Uncertain significance. Review status: criteria provided, multiple submitters, no conflicts (2 of 4 stars). 2 submissions from 2 submitters: Uncertain significance (2). Last evaluated 2024-09-06.

Conditions:
Febrile seizures, familial, 4 (FEB4). Also called: CONVULSIONS, FAMILIAL FEBRILE, 4. Identifiers: MedGen C1858493, MONDO:0011443, OMIM 604352.
Usher syndrome type 2C. Also called: Usher syndrome, type 2B; USHER SYNDROME, TYPE IIC. Identifiers: Orphanet 231178, Orphanet 886, MedGen C2931213, MONDO:0011558, OMIM 605472.

Allele frequency attached by ClinVar (database versions not stated): ExAC 0.00001; gnomAD 0.00001; gnomAD exomes 0.00001; TOPMed 0.00001.
gnomAD v4.1: 12 of 1,612,672 alleles (0.00074%); highest among the groups gnomAD compares: Non-Finnish European, 0.001%; no homozygotes.

Submissions (2):

Labcorp Genetics (formerly Invitae), Labcorp
Classification: Uncertain significance. Last evaluated: 2024-09-06. Review status: criteria provided, single submitter. Criteria: Invitae Variant Classification Sherloc (09022015). Collection method: clinical testing. Allele origin: germline.
Comment: This sequence change replaces threonine, which is neutral and polar, with serine, which is neutral and polar, at codon 4849 of the ADGRV1 protein (p.Thr4849Ser). This variant is present in population databases (rs755079950, gnomAD 0.003%). This variant has not been reported in the literature in individuals affected with ADGRV1-related conditions. ClinVar contains an entry for this variant (Variation ID: 853143). Invitae Evidence Modeling of protein sequence and biophysical properties (such as structural, functional, and spatial information, amino acid conservation, physicochemical variation, residue mobility, and thermodynamic stability) indicates that this missense variant is not expected to disrupt ADGRV1 protein function with a negative predictive value of 95%. In summary, the available evidence is currently insufficient to determine the role of this variant in disease. Therefore, it has been classified as a Variant of Uncertain Significance.

Fulgent Genetics
Classification: Uncertain significance for Febrile seizures, familial, 4; Usher syndrome type 2C. Last evaluated: 2022-01-03. Review status: criteria provided, single submitter. Criteria: ACMG Guidelines, 2015. Collection method: clinical testing. Allele origin: unknown.

NM_032119.4(ADGRV1):c.14546C>G (p.Thr4849Ser)

Gene: ADGRV1 (adhesion G protein-coupled receptor V1; plus strand). Cytogenetic location: 5q14.3.
Variant type: single nucleotide variant.
Coding change: c.14546C>G on transcript NM_032119.4 (MANE Select); coding-DNA position 14546, C replaced by G.
Protein change: p.Thr4849Ser; replaces threonine 4849 with serine.
Molecular consequence: missense variant. On other transcripts: non-coding transcript variant (1).
Genome position (GRCh38, 1-based): chr5:90,802,767, C>G. VCF-style: chr5-90802767-C-G. GRCh37 (hg19) VCF-style: chr5-90098584-C-G.
Other names: short protein forms T4849S.
Identifiers: ClinVar variation 853143 (VCV000853143.10), dbSNP rs755079950, ClinGen allele CA3341756.